The following is an entry in ClinVar:

ClinVar aggregate classification (germline): Benign. Review status: criteria provided, multiple submitters, no conflicts (2 of 4 stars). 5 submissions from 5 submitters: Benign (5). Last evaluated 2026-01-31.

Conditions:
Left ventricular noncompaction 1 (LVNC1). Also called: LEFT VENTRICULAR NONCOMPACTION 1 WITH OR WITHOUT CONGENITAL HEART DEFECTS. Identifiers: Orphanet 54260, MedGen C1858725, MONDO:0011403, OMIM 604169.

Allele frequency attached by ClinVar (database versions not stated): TOPMed 0.01046; ESP Exome Variant Server 0.01084; 1000 Genomes Project 0.01298; gnomAD 0.00984; 1000 Genomes Project 30x 0.01468.
gnomAD v4.1: 3,083 of 1,614,162 alleles (0.19%); highest among the groups gnomAD compares: African/African-American, 3.4%; 56 homozygotes.

Submissions (5):

Labcorp Genetics (formerly Invitae), Labcorp
Classification: Benign for Left ventricular noncompaction 1. Last evaluated: 2026-01-31. Review status: criteria provided, single submitter. Criteria: Invitae Variant Classification Sherloc (09022015). Collection method: clinical testing. Allele origin: germline.

ARUP Laboratories, Molecular Genetics and Genomics, ARUP Laboratories
Classification: Benign for Left ventricular noncompaction 1. Last evaluated: 2019-11-25. Review status: criteria provided, single submitter. Criteria: ARUP Molecular Germline Variant Investigation Process. Collection method: clinical testing. Allele origin: germline.

GeneDx
Classification: Benign. Last evaluated: 2014-06-03. Review status: criteria provided, single submitter. Criteria: GeneDx Variant Classification (06012015). Collection method: clinical testing. Allele origin: germline. Affected: yes.
Comment: This variant is considered likely benign or benign based on one or more of the following criteria: it is a conservative change, it occurs at a poorly conserved position in the protein, it is predicted to be benign by multiple in silico algorithms, and/or has population frequency not consistent with disease.

Laboratory for Molecular Medicine, Mass General Brigham Personalized Medicine
Classification: Benign. Last evaluated: 2012-05-24. Review status: criteria provided, single submitter. Criteria: LMM Criteria. Collection method: clinical testing. Allele origin: germline. Observed: 18 variant alleles.
Comment: 3.1% (115/3738) of Afr Amer chrom in ESP

Breakthrough Genomics
Classification: Benign. Review status: criteria provided, single submitter. Criteria: ACMG Guidelines, 2015. Collection method: not provided. Allele origin: germline. Inheritance: Autosomal dominant inheritance. Affected: yes.

NM_001386795.1(DTNA):c.1821G>A (p.Ala607=)

Gene: DTNA (dystrobrevin alpha; plus strand). Cytogenetic location: 18q12.1.
Variant type: single nucleotide variant.
Coding change: c.1821G>A on transcript NM_001386795.1 (MANE Select); coding-DNA position 1821, G replaced by A.
Protein change: p.Ala607=; no amino-acid change (alanine 607 retained).
Molecular consequence: synonymous variant.
Genome position (GRCh38, 1-based): chr18:34,875,316, G>A. VCF-style: chr18-34875316-G-A. GRCh37 (hg19) VCF-style: chr18-32455280-G-A.
Other names: p.A520A:GCG>GCA; c.1560G>A, p.Ala520= (NM_001198938.2, NM_001198940.2, NM_001386753.1 and 5 more transcripts); c.1581G>A, p.Ala527= (NM_001198939.2); c.867G>A, p.Ala289= (NM_001198942.1); c.810G>A, p.Ala270= (NM_001198943.1); c.696G>A, p.Ala232= (NM_001198944.1); c.1650G>A, p.Ala550= (NM_001386754.1, NM_001386755.1, NM_001386756.1 and 3 more transcripts); c.1647G>A, p.Ala549= (NM_001386760.1); and 6 more.
Identifiers: ClinVar variation 46418 (VCV000046418.20), dbSNP rs9959365, ClinGen allele CA138302.